The following is an entry in ClinVar:

ClinVar aggregate classification (germline): Likely pathogenic (0 of 4 stars; one submission).

Conditions:
Neurodevelopmental disorder with hypotonia, language delay, and skeletal defects with or without seizures (NEDHLSS). Identifiers: MedGen C5774213, MONDO:0859286, OMIM 620029.

Submission:

Diagnostics Centre, Carl Von Ossietzky University Oldenburg
Classification: Likely pathogenic for Neurodevelopmental disorder with hypotonia, language delay, and skeletal defects with or without seizures. Last evaluated: 2025-03-10. Review status: no assertion criteria provided. Collection method: clinical testing. Allele origin: germline. Affected: yes. Observed: 1 variant allele.
Comment: The variant CACNA1C:c.4537A>G p.Lys1513Glu, located in the coding exon 37 of CACNA1C gene, results from an adenine to guanine substitution at nucleotide position c.4537. The lysine residue at protein position 1513 is replaced by a glutamic acid. In silico tools predict a strong deleterious effect in the protein structure/function (REVEL = 0,96). Missense variants in this gene or the affected region are a known disease mechanism and are rare in the general population. The affected protein region has significant levels of missense constrain. The variant has not yet been described in ClinVar or any other scientific publication. The variant is classified as very rare since it is absent in gnomAD v4.1.0. In summary, the variant is classified as Likely pathogenic.

NM_000719.7(CACNA1C):c.4537A>G (p.Lys1513Glu)

Gene: CACNA1C (calcium voltage-gated channel subunit alpha1 C; plus strand). Cytogenetic location: 12p13.33.
Variant type: single nucleotide variant.
Coding change: c.4537A>G on transcript NM_000719.7 (MANE Select); coding-DNA position 4537, A replaced by G.
Protein change: p.Lys1513Glu; replaces lysine 1513 with glutamic acid.
Molecular consequence: missense variant.
Genome position (GRCh38, 1-based): chr12:2,666,696, A>G. VCF-style: chr12-2666696-A-G. GRCh37 (hg19) VCF-style: chr12-2775862-A-G.
Other names: c.4681A>G, p.Lys1561Glu (NM_001129827.2, NM_199460.4); c.4603A>G, p.Lys1535Glu (NM_001129829.2); c.4537A>G, p.Lys1513Glu (NM_001129830.3, NM_001129833.2, NM_001129834.2 and 7 more transcripts); c.4621A>G, p.Lys1541Glu (NM_001129831.2); c.4597A>G, p.Lys1533Glu (NM_001129832.2); c.4588A>G, p.Lys1530Glu (NM_001129836.2); c.4504A>G, p.Lys1502Glu (NM_001129837.2, NM_001129838.2, NM_001129846.2 and 1 more transcripts); c.4498A>G, p.Lys1500Glu (NM_001129839.2); and 1 more; short protein forms K1500E, K1502E, K1510E, K1513E, K1530E, K1533E, K1535E, K1541E.
Identifiers: ClinVar variation 4530641 (VCV004530641.1).